The following is an entry in ClinVar:

NM_001035.3(RYR2):c.4739C>T (p.Pro1580Leu)

Gene: RYR2 (ryanodine receptor 2; plus strand). Cytogenetic location: 1q43.
Variant type: single nucleotide variant.
Coding change: c.4739C>T on transcript NM_001035.3 (MANE Select); coding-DNA position 4739, C replaced by T.
Protein change: p.Pro1580Leu; replaces proline 1580 with leucine.
Molecular consequence: missense variant.
Genome position (GRCh38, 1-based): chr1:237,610,817, C>T. VCF-style: chr1-237610817-C-T. GRCh37 (hg19) VCF-style: chr1-237774117-C-T.
Other names: short protein forms P1580L.
Identifiers: ClinVar variation 859460 (VCV000859460.48), dbSNP rs755303612, ClinGen allele CA086721.

ClinVar aggregate classification (germline): Uncertain significance. Review status: criteria provided, multiple submitters, no conflicts (2 of 4 stars). 3 submissions from 3 submitters: Uncertain significance (3). Last evaluated 2024-12-16.

Conditions:
Cardiomyopathy (CMYO). Also called: Cardiomyopathies. Identifiers: Orphanet 167848, MedGen C0878544, MONDO:0004994, HP:0001638. Inheritance: Various modes of inheritance.
Catecholaminergic polymorphic ventricular tachycardia 1. Also called: VENTRICULAR TACHYCARDIA, CATECHOLAMINERGIC POLYMORPHIC, 1, WITH OR WITHOUT ATRIAL DYSFUNCTION AND/OR DILATED CARDIOMYOPATHY; VENTRICULAR TACHYCARDIA, STRESS-INDUCED POLYMORPHIC 1; RYR2-Related Catecholaminergic Polymorphic Ventricular Tachycardia. Identifiers: Orphanet 3286, MedGen C1631597, MONDO:0011484, OMIM 604772.
Cardiovascular phenotype. Identifiers: MedGen CN230736.

gnomAD v4.1: 8 of 1,611,982 alleles (0.0005%); highest among the groups gnomAD compares: South Asian, 0.0011%; no homozygotes.

Submissions (3):

Color Diagnostics, LLC DBA Color Health
Classification: Uncertain significance for Cardiomyopathy. Last evaluated: 2024-12-16. Review status: criteria provided, single submitter. Criteria: ACMG Guidelines, 2015. Collection method: clinical testing. Allele origin: germline.
Comment: This missense variant replaces proline with leucine at codon 1580 of the RYR2 protein. Computational prediction is inconclusive regarding the impact of this variant on protein structure and function (internally defined REVEL score threshold 0.5 < inconclusive < 0.7, PMID: 27666373). To our knowledge, functional studies have not been reported for this variant. This variant has not been reported in individuals affected with RYR2-related disorders in the literature. This variant has been identified in 1/245620 chromosomes in the general population by the Genome Aggregation Database (gnomAD). The available evidence is insufficient to determine the role of this variant in disease conclusively. Therefore, this variant is classified as a Variant of Uncertain Significance.

Ambry Genetics
Classification: Uncertain significance for Cardiovascular phenotype. Last evaluated: 2023-12-26. Review status: criteria provided, single submitter. Criteria: Ambry Variant Classification Scheme 2023. Collection method: clinical testing. Allele origin: germline.
Comment: The p.P1580L variant (also known as c.4739C>T), located in coding exon 36 of the RYR2 gene, results from a C to T substitution at nucleotide position 4739. The proline at codon 1580 is replaced by leucine, an amino acid with similar properties. This amino acid position is well conserved in available vertebrate species. In addition, the in silico prediction for this alteration is inconclusive. Since supporting evidence is limited at this time, the clinical significance of this alteration remains unclear.

Labcorp Genetics (formerly Invitae), Labcorp
Classification: Uncertain significance for Catecholaminergic polymorphic ventricular tachycardia 1. Last evaluated: 2021-08-24. Review status: criteria provided, single submitter. Criteria: Invitae Variant Classification Sherloc (09022015). Collection method: clinical testing. Allele origin: germline.
Comment: This sequence change replaces proline with leucine at codon 1580 of the RYR2 protein (p.Pro1580Leu). The proline residue is highly conserved and there is a moderate physicochemical difference between proline and leucine. This variant is present in population databases (rs755303612, ExAC 0.008%). This variant has not been reported in the literature in individuals affected with RYR2-related conditions. Algorithms developed to predict the effect of missense changes on protein structure and function are either unavailable or do not agree on the potential impact of this missense change (SIFT: "Deleterious"; PolyPhen-2: "Possibly Damaging"; Align-GVGD: "Class C15"). In summary, the available evidence is currently insufficient to determine the role of this variant in disease. Therefore, it has been classified as a Variant of Uncertain Significance.